The following is an entry in ClinVar:

ClinVar aggregate classification (germline): Uncertain significance. Review status: criteria provided, multiple submitters, no conflicts (2 of 4 stars). 2 submissions from 2 submitters: Uncertain significance (2). Last evaluated 2024-01-01.

Conditions:
Galloway-Mowat syndrome 1 (GAMOS1). Identifiers: Orphanet 2065, Orphanet 83472, MedGen C4551772, MONDO:0033005, OMIM 251300.

Submissions (2):

Fulgent Genetics
Classification: Uncertain significance for Galloway-Mowat syndrome 1. Last evaluated: 2024-01-01. Review status: criteria provided, single submitter. Criteria: ACMG Guidelines, 2015. Collection method: clinical testing. Allele origin: germline.

GeneDx
Classification: Uncertain significance. Last evaluated: 2021-01-11. Review status: criteria provided, single submitter. Criteria: GeneDx Variant Classification Process June 2021. Collection method: clinical testing. Allele origin: germline. Affected: yes.
Comment: Not observed in large population cohorts (Lek et al., 2016); In silico analysis supports that this missense variant has a deleterious effect on protein structure/function; Has not been previously published as pathogenic or benign to our knowledge

NM_032856.5(WDR73):c.1097T>C (p.Leu366Pro)

Gene: WDR73 (WD repeat domain 73; minus strand). Cytogenetic location: 15q25.2.
Variant type: single nucleotide variant.
Coding change: c.1097T>C on transcript NM_032856.5 (MANE Select); coding-DNA position 1097, T replaced by C.
Protein change: p.Leu366Pro; replaces leucine 366 with proline.
Molecular consequence: missense variant. On other transcripts: non-coding transcript variant (4).
Genome position (GRCh38, 1-based): chr15:84,643,510, A>G on the plus strand (T>C on the coding strand, the complement: WDR73 is on the minus strand). VCF-style: chr15-84643510-A-G. GRCh37 (hg19) VCF-style: chr15-85186741-A-G.
Other names: short protein forms L366P.
Identifiers: ClinVar variation 1303291 (VCV001303291.3), dbSNP rs540074958, ClinGen allele CA393351172.